The following is an entry in ClinVar:

NM_014855.3(AP5Z1):c.2328C>A (p.Ser776Arg)

Gene: AP5Z1 (adaptor related protein complex 5 subunit zeta 1; plus strand). Cytogenetic location: 7p22.1.
Variant type: single nucleotide variant.
Coding change: c.2328C>A on transcript NM_014855.3 (MANE Select); coding-DNA position 2328, C replaced by A.
Protein change: p.Ser776Arg; replaces serine 776 with arginine.
Molecular consequence: missense variant. On other transcripts: non-coding transcript variant (1).
Genome position (GRCh38, 1-based): chr7:4,791,289, C>A. VCF-style: chr7-4791289-C-A. GRCh37 (hg19) VCF-style: chr7-4830920-C-A.
Other names: c.2328C>A, p.Ser776Arg (LRG_1247t1); c.1860C>A, p.Ser620Arg (NM_001364858.1); short protein forms S776R, S620R.
Identifiers: ClinVar variation 585437 (VCV000585437.16), dbSNP rs192794637, ClinGen allele CA4138432.
Genomic context (GRCh38, chr7:4,791,289, plus strand): 5'-CCTGCTGAAGATGCCTAGCGTGGCCCAGTTTGTGCTCACACCCAGCACGGAGGTGTGCAG[C>A]CCCCGCTATCACCGCGATGCCAACACGGCCCTGCCCCTGGCCCTGCGCACGGTCAGCCGG-3'
Protein context (NP_055670.1, residues 766-786): FVLTPSTEVC[Ser776Arg]PRYHRDANTA

ClinVar aggregate classification (germline): Benign/Likely benign. Review status: criteria provided, multiple submitters, no conflicts (2 of 4 stars). 4 submissions from 4 submitters: Benign (1); Likely benign (3). Last evaluated 2026-02-03.

Conditions:
Hereditary spastic paraplegia 48. Also called: Spastic paraplegia 48; SPASTIC PARAPLEGIA 48, AUTOSOMAL RECESSIVE. Identifiers: Orphanet 306511, MedGen C3150901, MONDO:0013342, OMIM 613647.

Allele frequency attached by ClinVar (database versions not stated): 1000 Genomes Project 0.00319; 1000 Genomes Project 30x 0.00328; ESP Exome Variant Server 0.00463; TOPMed 0.00491.
gnomAD v4.1: 1,269 of 1,612,544 alleles (0.079%); highest among the groups gnomAD compares: African/African-American, 1.4%; 4 homozygotes.

Submissions (4):

Labcorp Genetics (formerly Invitae), Labcorp
Classification: Benign for Hereditary spastic paraplegia 48. Last evaluated: 2026-02-03. Review status: criteria provided, single submitter. Criteria: Invitae Variant Classification Sherloc (09022015). Collection method: clinical testing. Allele origin: germline.

GeneDx
Classification: Likely benign. Last evaluated: 2022-02-12. Review status: criteria provided, single submitter. Criteria: GeneDx Variant Classification Process June 2021. Collection method: clinical testing. Allele origin: germline. Affected: yes.
Comment: See Variant Classification Assertion Criteria.

Athena Diagnostics
Classification: Likely benign. Last evaluated: 2018-08-02. Review status: criteria provided, single submitter. Criteria: Athena Diagnostics Criteria. Collection method: clinical testing. Allele origin: germline.

Illumina Laboratory Services, Illumina
Classification: Likely benign for Hereditary spastic paraplegia 48. Last evaluated: 2018-01-13. Review status: criteria provided, single submitter. Criteria: ICSL Variant Classification Criteria 13 December 2019. Collection method: clinical testing. Allele origin: germline.
Comment: This variant was observed in the ICSL laboratory as part of a predisposition screen in an ostensibly healthy population. It had not been previously curated by ICSL or reported in the Human Gene Mutation Database (HGMD: prior to June 1st, 2018), and was therefore a candidate for classification through an automated scoring system. Utilizing variant allele frequency, disease prevalence and penetrance estimates, and inheritance mode, an automated score was calculated to assess if this variant is too frequent to cause the disease. Based on the score and internal cut-off values, a variant classified as likely benign is not then subjected to further curation. The score for this variant resulted in a classification of likely benign for this disease.